The following is an entry in ClinVar:

ClinVar aggregate classification (germline): Conflicting classifications of pathogenicity. Review status: criteria provided, conflicting classifications (1 of 4 stars). 3 submissions from 3 submitters: Uncertain significance (2); Benign (1). Last evaluated 2025-11-10.

Conditions:
Inborn genetic diseases. Identifiers: MedGen C0950123, MeSH D030342.

Allele frequency attached by ClinVar (database versions not stated): gnomAD exomes 0.00005 and 0.00006; ExAC 0.00006; ESP Exome Variant Server 0.00008.

Submissions (3):

Women's Health and Genetics/Laboratory Corporation of America, LabCorp
Classification: Uncertain significance. Last evaluated: 2025-11-10. Review status: criteria provided, single submitter. Criteria: LabCorp Variant Classification Summary - May 2015. Collection method: clinical testing. Allele origin: germline.
Comment: Variant summary: DVL3 c.457G>C (p.Glu153Gln) results in a conservative amino acid change in the encoded protein sequence. Algorithms developed to predict the effect of missense changes on protein structure and function are either unavailable or do not agree on the potential impact of this missense change. The variant allele was found at a frequency of 6.4e-05 in 203682 control chromosomes. This frequency is not significantly higher than estimated for disease-causing variants in DVL3, allowing no conclusion about variant significance. To our knowledge, no occurrence of c.457G>C in individuals affected with DVL3-related conditions and no experimental evidence demonstrating its impact on protein function have been reported. ClinVar contains an entry for this variant (Variation ID: 1596630). Based on the evidence outlined above, the variant was classified as uncertain significance.

Labcorp Genetics (formerly Invitae), Labcorp
Classification: Benign. Last evaluated: 2025-01-05. Review status: criteria provided, single submitter. Criteria: Invitae Variant Classification Sherloc (09022015). Collection method: clinical testing. Allele origin: germline.

Ambry Genetics
Classification: Uncertain significance for Inborn genetic diseases. Last evaluated: 2021-09-27. Review status: criteria provided, single submitter. Criteria: Ambry Variant Classification Scheme 2023. Collection method: clinical testing. Allele origin: germline.

NM_004423.4(DVL3):c.457G>C (p.Glu153Gln)

Gene: DVL3 (dishevelled segment polarity protein 3; plus strand). Cytogenetic location: 3q27.1.
Variant type: single nucleotide variant.
Coding change: c.457G>C on transcript NM_004423.4 (MANE Select); coding-DNA position 457, G replaced by C.
Protein change: p.Glu153Gln; replaces glutamic acid 153 with glutamine.
Molecular consequence: missense variant.
Genome position (GRCh38, 1-based): chr3:184,164,595, G>C. VCF-style: chr3-184164595-G-C. GRCh37 (hg19) VCF-style: chr3-183882383-G-C.
Other names: c.457G>C (NM_004423.3); short protein forms E153Q.
Identifiers: ClinVar variation 1596630 (VCV001596630.10), dbSNP rs1687252, ClinGen allele CA2727086.